The following is an entry in ClinVar:

NM_005228.5(EGFR):c.413G>T (p.Arg138Ile)

Gene: EGFR (epidermal growth factor receptor; plus strand). Cytogenetic location: 7p11.2.
Variant type: single nucleotide variant.
Coding change: c.413G>T on transcript NM_005228.5 (MANE Select); coding-DNA position 413, G replaced by T.
Protein change: p.Arg138Ile; replaces arginine 138 with isoleucine.
Molecular consequence: missense variant. On other transcripts: intron variant (1).
Genome position (GRCh38, 1-based): chr7:55,143,477, G>T. VCF-style: chr7-55143477-G-T. GRCh37 (hg19) VCF-style: chr7-55211170-G-T.
Other names: c.413G>T, p.Arg138Ile (NM_001346897.2, NM_001346898.2, NM_001346899.2 and 3 more transcripts); c.254G>T, p.Arg85Ile (NM_001346900.2); c.89-12353G>T (NM_001346941.2); short protein forms R138I, R85I.
Identifiers: ClinVar variation 2970970 (VCV002970970.4), dbSNP rs1437762652, ClinGen allele CA367576008.

ClinVar aggregate classification (germline): Uncertain significance. Review status: criteria provided, multiple submitters, no conflicts (2 of 4 stars). 2 submissions from 2 submitters: Uncertain significance (2). Last evaluated 2025-07-12.

Conditions:
Hereditary cancer-predisposing syndrome. Also called: Neoplastic Syndromes, Hereditary; Hereditary neoplastic syndrome; Hereditary Cancer Syndrome; Tumor predisposition. Identifiers: Orphanet 140162, MedGen C0027672, MeSH D009386, MONDO:0015356.
EGFR-related lung cancer (EGFR). Identifiers: MedGen CN130014.

gnomAD v4.1: 2 of 1,614,188 alleles (0.00012%); highest among the groups gnomAD compares: Non-Finnish European, 0.00017%; no homozygotes.

Submissions (2):

Ambry Genetics
Classification: Uncertain significance for Hereditary cancer-predisposing syndrome. Last evaluated: 2025-07-12. Review status: criteria provided, single submitter. Criteria: Ambry Variant Classification Scheme 2023. Collection method: clinical testing. Allele origin: germline.
Comment: The p.R138I variant (also known as c.413G>T), located in coding exon 3 of the EGFR gene, results from a G to T substitution at nucleotide position 413. The arginine at codon 138 is replaced by isoleucine, an amino acid with similar properties. This amino acid position is conserved. In addition, the in silico prediction for this alteration is inconclusive. Based on the available evidence, the clinical significance of this variant remains unclear.

Labcorp Genetics (formerly Invitae), Labcorp
Classification: Uncertain significance for EGFR-related lung cancer. Last evaluated: 2023-02-14. Review status: criteria provided, single submitter. Criteria: Invitae Variant Classification Sherloc (09022015). Collection method: clinical testing. Allele origin: germline.
Comment: This sequence change replaces arginine, which is basic and polar, with isoleucine, which is neutral and non-polar, at codon 138 of the EGFR protein (p.Arg138Ile). This variant is not present in population databases (gnomAD no frequency). This variant has not been reported in the literature in individuals affected with EGFR-related conditions. Advanced modeling of protein sequence and biophysical properties (such as structural, functional, and spatial information, amino acid conservation, physicochemical variation, residue mobility, and thermodynamic stability) performed at Invitae indicates that this missense variant is not expected to disrupt EGFR protein function. In summary, the available evidence is currently insufficient to determine the role of this variant in disease. Therefore, it has been classified as a Variant of Uncertain Significance.